The following is an entry in ClinVar:

ClinVar aggregate classification (germline): Uncertain significance (1 of 4 stars; one submission).

Conditions:
DICER1-related tumor predisposition. Also called: DICER1 syndrome; DICER1-related pleuropulmonary blastoma cancer predisposition syndrome. Identifiers: Orphanet 284343, MedGen C3839822, MONDO:0100216.

Allele frequency attached by ClinVar (database versions not stated): gnomAD exomes below 0.00001.
gnomAD v4.1: 1 of 1,614,072 alleles (0.000062%); highest among the groups gnomAD compares: Non-Finnish European, 0.000085%; no homozygotes.

Submission:

Labcorp Genetics (formerly Invitae), Labcorp
Classification: Uncertain significance for DICER1-related tumor predisposition. Last evaluated: 2021-11-06. Review status: criteria provided, single submitter. Criteria: Invitae Variant Classification Sherloc (09022015). Collection method: clinical testing. Allele origin: germline.
Comment: This sequence change falls in intron 23 of the DICER1 gene. It does not directly change the encoded amino acid sequence of the DICER1 protein. It affects a nucleotide within the consensus splice site. This variant is not present in population databases (gnomAD no frequency). This variant has not been reported in the literature in individuals affected with DICER1-related conditions. Variants that disrupt the consensus splice site are a relatively common cause of aberrant splicing (PMID: 17576681, 9536098). Algorithms developed to predict the effect of sequence changes on RNA splicing suggest that this variant is not likely to affect RNA splicing. In summary, the available evidence is currently insufficient to determine the role of this variant in disease. Therefore, it has been classified as a Variant of Uncertain Significance.

Literature cited by the submitters: PubMed 17576681; PubMed 9536098.

NM_177438.3(DICER1):c.5095+4A>C

Gene: DICER1 (dicer 1, ribonuclease III; minus strand). Cytogenetic location: 14q32.13.
Variant type: single nucleotide variant.
Coding change: c.5095+4A>C on transcript NM_177438.3 (MANE Select); 4 bases into the intron after coding-DNA position 5095, A replaced by C.
Molecular consequence: intron variant.
Genome position (GRCh38, 1-based): chr14:95,095,821, T>G on the plus strand (A>C on the coding strand, the complement: DICER1 is on the minus strand). VCF-style: chr14-95095821-T-G. GRCh37 (hg19) VCF-style: chr14-95562158-T-G.
Other names: c.5095+4A>C (NM_001291628.2, NM_030621.4, NM_001271282.3 and 1 more transcripts).
Identifiers: ClinVar variation 1506916 (VCV001506916.7), dbSNP rs1890255119, ClinGen allele CA2156301833.